The following is an entry in ClinVar:

ClinVar aggregate classification (germline): Conflicting classifications of pathogenicity. Review status: criteria provided, conflicting classifications (1 of 4 stars). 5 submissions from 5 submitters: Uncertain significance (1); Likely benign (4). Last evaluated 2026-01-24.

Conditions:
Deficiency of ferroxidase (ACEP). Also called: Aceruloplasminemia; Deficiency of ceruloplasmin; NEURODEGENERATION WITH BRAIN IRON ACCUMULATION 10; Ceruloplasmin deficiency; Familial apoceruloplasmin deficiency; Hereditary ceruloplasmin deficiency. Identifiers: Orphanet 48818, MedGen C0878682, MONDO:0011426, OMIM 604290, HP:0025498.

Allele frequency attached by ClinVar (database versions not stated): gnomAD 0.00013; gnomAD exomes 0.00015 and 0.00027; TOPMed 0.00015; ExAC 0.00028; 1000 Genomes Project 30x 0.00031; ESP Exome Variant Server 0.00038; 1000 Genomes Project 0.00040.
gnomAD v4.1: 258 of 1,613,120 alleles (0.016%); highest among the groups gnomAD compares: Middle Eastern, 0.28%; 1 homozygote.

Submissions (5):

Labcorp Genetics (formerly Invitae), Labcorp
Classification: Likely benign for Deficiency of ferroxidase. Last evaluated: 2026-01-24. Review status: criteria provided, single submitter. Criteria: Invitae Variant Classification Sherloc (09022015). Collection method: clinical testing. Allele origin: germline.

CeGaT Center for Human Genetics Tuebingen
Classification: Likely benign. Last evaluated: 2025-10-01. Review status: criteria provided, single submitter. Criteria: CeGaT Center For Human Genetics Tuebingen Variant Classification Criteria Version 2. Collection method: clinical testing. Allele origin: germline. Affected: yes. Observed: 3 variant alleles.
Comment: CP: BP4, BP7

Blueprint Genetics
Classification: Likely benign. Last evaluated: 2024-11-18. Review status: criteria provided, single submitter. Criteria: ACMG Guidelines, 2015. Collection method: clinical testing. Allele origin: germline.

GeneDx
Classification: Likely benign. Last evaluated: 2021-03-09. Review status: criteria provided, single submitter. Criteria: GeneDx Variant Classification Process June 2021. Collection method: clinical testing. Allele origin: germline. Affected: yes.

Illumina Laboratory Services, Illumina
Classification: Uncertain significance for Deficiency of ferroxidase. Last evaluated: 2018-01-13. Review status: criteria provided, single submitter. Criteria: ICSL Variant Classification Criteria 13 December 2019. Collection method: clinical testing. Allele origin: germline.

NM_000096.4(CP):c.93G>A (p.Thr31=)

Gene: CP (ceruloplasmin; minus strand). Cytogenetic location: 3q25.1.
Variant type: single nucleotide variant.
Coding change: c.93G>A on transcript NM_000096.4 (MANE Select); coding-DNA position 93, G replaced by A.
Protein change: p.Thr31=; no amino-acid change (threonine 31 retained).
Molecular consequence: synonymous variant. On other transcripts: non-coding transcript variant (1).
Genome position (GRCh38, 1-based): chr3:149,221,700, C>T on the plus strand (G>A on the coding strand, the complement: CP is on the minus strand). VCF-style: chr3-149221700-C-T. GRCh37 (hg19) VCF-style: chr3-148939487-C-T.
Identifiers: ClinVar variation 343791 (VCV000343791.51), dbSNP rs201521886, ClinGen allele CA2661406.